The following is an entry in ClinVar:

NC_000015.9:g.(?_42701491)_(42703981_?)del

Gene: CAPN3 (calpain 3; plus strand). Cytogenetic location: 15q15.1.
Variant type: Deletion.
Identifiers: ClinVar variation 1076334 (VCV001076334.9).

ClinVar aggregate classification (germline): Pathogenic (1 of 4 stars; one submission).

Conditions:
Autosomal recessive limb-girdle muscular dystrophy type 2A (LGMDR1). Also called: Limb-girdle muscular dystrophy, type 2A; Calpainopathy; LEYDEN-MOEBIUS MUSCULAR DYSTROPHY; MUSCULAR DYSTROPHY, PELVOFEMORAL; Muscular dystrophy, limb-girdle, type 2A, Amish. Identifiers: Orphanet 267, MedGen C1869123, MONDO:0009675, OMIM 253600. Disease mechanism: loss of function.

Submission:

Labcorp Genetics (formerly Invitae), Labcorp
Classification: Pathogenic for Autosomal recessive limb-girdle muscular dystrophy type 2A. Last evaluated: 2022-09-23. Review status: criteria provided, single submitter. Criteria: Invitae Variant Classification Sherloc (09022015). Collection method: clinical testing. Allele origin: germline.
Comment: This variant is a gross deletion of the genomic region encompassing exon(s) 17-24 of the CAPN3 gene, which includes the termination codon. This deletion extends beyond the assayed region for this gene and therefore may encompass additional genes. While this deletion is not anticipated to lead to nonsense mediated decay, it is expected to alter mRNA translation or result in a truncated protein product. A similar copy number variant has been observed in individual(s) with limb-girdle muscular dystrophy (Invitae). The region of the CAPN3 gene that includes exon(s) 17-19 has been determined to be clinically significant (Invitae). Therefore, deletions that encompass that region are likely to be disease-causing. For these reasons, this variant has been classified as Pathogenic.